The following is an entry in ClinVar:

ClinVar aggregate classification (germline): Uncertain significance (1 of 4 stars; one submission).

Conditions:
Supravalvar aortic stenosis (SVAS). Also called: Supravalvar aortic stenosis, Eisenberg type. Identifiers: Orphanet 3193, MedGen C0003499, MONDO:0008504, OMIM 185500, HP:0004381.

Allele frequency attached by ClinVar (database versions not stated): gnomAD exomes below 0.00001.
gnomAD v4.1: 1 of 1,613,848 alleles (0.000062%); highest among the groups gnomAD compares: South Asian, 0.0011%; no homozygotes.

Submission:

Labcorp Genetics (formerly Invitae), Labcorp
Classification: Uncertain significance for Supravalvar aortic stenosis. Last evaluated: 2023-10-22. Review status: criteria provided, single submitter. Criteria: Invitae Variant Classification Sherloc (09022015). Collection method: clinical testing. Allele origin: germline.
Comment: This sequence change replaces alanine, which is neutral and non-polar, with threonine, which is neutral and polar, at codon 489 of the ELN protein (p.Ala489Thr). This variant is not present in population databases (gnomAD no frequency). This variant has not been reported in the literature in individuals affected with ELN-related conditions. Advanced modeling of protein sequence and biophysical properties (such as structural, functional, and spatial information, amino acid conservation, physicochemical variation, residue mobility, and thermodynamic stability) performed at Invitae indicates that this missense variant is not expected to disrupt ELN protein function. In summary, the available evidence is currently insufficient to determine the role of this variant in disease. Therefore, it has been classified as a Variant of Uncertain Significance.

NM_000501.4(ELN):c.1378G>A (p.Ala460Thr)

Gene: ELN (elastin; plus strand). Cytogenetic location: 7q11.23.
Variant type: single nucleotide variant.
Coding change: c.1378G>A on transcript NM_000501.4 (MANE Select); coding-DNA position 1378, G replaced by A.
Protein change: p.Ala460Thr; replaces alanine 460 with threonine.
Molecular consequence: missense variant. On other transcripts: intron variant (7).
Genome position (GRCh38, 1-based): chr7:74,057,660, G>A. VCF-style: chr7-74057660-G-A. GRCh37 (hg19) VCF-style: chr7-73471990-G-A.
Other names: c.1393G>A, p.Ala465Thr (NM_001081754.3); c.1378G>A, p.Ala460Thr (NM_001278912.2, NM_001278915.2); c.1348G>A, p.Ala450Thr (NM_001278917.2); c.1465G>A, p.Ala489Thr (NM_001278939.2); c.1372+947G>A (NM_001081753.3); c.1357+947G>A (NM_001081755.3); c.1315+947G>A (NM_001278916.2); c.1171+947G>A (NM_001278913.2); and 3 more; short protein forms A450T, A489T, A465T, A460T.
Identifiers: ClinVar variation 2847473 (VCV002847473.3), dbSNP rs2486127071, ClinGen allele CA367882898.